The following is an entry in ClinVar:

ClinVar aggregate classification (germline): Pathogenic (0 of 4 stars; one submission).

Conditions:
Carcinoma of colon (CRC). Also called: Colonic carcinoma; Colon carcinoma. Identifiers: MedGen C0699790, MONDO:0002032.

Submission:

Department of Pathology and Laboratory Medicine, Sinai Health System
Classification: Pathogenic for Carcinoma of colon. Review status: no assertion criteria provided. Collection method: clinical testing. Allele origin: unknown. Affected: yes. Study: The Canadian Open Genetics Repository (COGR).
Comment: The APC EXON07_09, c.423-?_729+?del (deletion of exons 7-9 (alias 4-6) by MLPA) variant was not identified in the literature nor was it identified in the dbSNP, NHLBI Exome Sequencing Project (Exome Variant Server), HGMD, LOVD, COSMIC, UMD, ClinVar, MutDB, â€šÃ„ÃºInSiGHT Colon Cancer Databaseâ€šÃ„Ã¹, â€šÃ„ÃºZhejiang Colon Cancer Databaseâ€šÃ„Ã¹, or GeneInsight. The p.Ser142GlyfsX49 deletion variant is predicted to cause a frameshift, which alters the protein's amino acid sequence beginning at codon 142 and leads to a premature stop codon 49 codons downstream. This alteration is then predicted to result in a truncated or absent protein and loss of function. Loss of function variants of the APC gene are an established mechanism of disease in familial adenomatous polyposis and is the type of variant expected to cause the disorder. In summary, based on the above information, this variant meets our laboratoryâ€šÃ„Ã´s criteria to be classified as pathogenic.

NM_000038.6(APC):c.423-3_531+198del

Gene: APC (APC regulator of Wnt signaling pathway; plus strand). Cytogenetic location: 5q22.2.
Variant type: Deletion.
Coding change: c.423-3_531+198del on transcript NM_000038.6 (MANE Select); 3 bases into the intron before coding-DNA position 423 through 198 bases into the intron after coding-DNA position 531, 310 bases deleted.
Molecular consequence: splice acceptor variant, splice donor variant.
Genome position (GRCh38, 1-based): chr5:112,775,626-112,775,935, 310 bases deleted. GRCh37 (hg19): chr5:112,111,323-112,111,632.
Other names: c.423-3_531+198del (NM_001354895.2, NM_001127510.3, NM_001354896.2 and 2 more transcripts); c.453-3_561+198del (NM_001354897.2, NM_001354902.2, NM_001127511.3); c.348-3_456+198del (NM_001354898.2, NM_001354904.2); c.-613-3_-505+198del (NM_001354906.2); c.246-3_354+198del (NM_001354900.2, NM_001354901.2, NM_001354905.2).
Identifiers: ClinVar variation 1049899 (VCV001049899.1), dbSNP rs2149614301, ClinGen allele CA2499217423.